The following is an entry in ClinVar:

ClinVar aggregate classification (germline): Uncertain significance (1 of 4 stars; one submission).

Conditions:
Hereditary nonpolyposis colorectal neoplasms. Identifiers: MedGen C0009405, MeSH D003123.

Submission:

Labcorp Genetics (formerly Invitae), Labcorp
Classification: Uncertain significance for Hereditary nonpolyposis colorectal neoplasms. Last evaluated: 2021-10-16. Review status: criteria provided, single submitter. Criteria: Invitae Variant Classification Sherloc (09022015). Collection method: clinical testing. Allele origin: germline.
Comment: This sequence change replaces threonine with proline at codon 605 of the MSH6 protein (p.Thr605Pro). The threonine residue is highly conserved and there is a small physicochemical difference between threonine and proline. This variant is not present in population databases (ExAC no frequency). This variant has not been reported in the literature in individuals affected with MSH6-related conditions. Advanced modeling of protein sequence and biophysical properties (such as structural, functional, and spatial information, amino acid conservation, physicochemical variation, residue mobility, and thermodynamic stability) performed at Invitae indicates that this missense variant is expected to disrupt MSH6 protein function. In summary, the available evidence is currently insufficient to determine the role of this variant in disease. Therefore, it has been classified as a Variant of Uncertain Significance.

NM_000179.3(MSH6):c.1813A>C (p.Thr605Pro)

Gene: MSH6 (mutS homolog 6; plus strand). Cytogenetic location: 2p16.3.
Variant type: single nucleotide variant.
Coding change: c.1813A>C on transcript NM_000179.3 (MANE Select); coding-DNA position 1813, A replaced by C.
Protein change: p.Thr605Pro; replaces threonine 605 with proline.
Molecular consequence: missense variant.
Genome position (GRCh38, 1-based): chr2:47,799,796, A>C. VCF-style: chr2-47799796-A-C. GRCh37 (hg19) VCF-style: chr2-48026935-A-C.
Other names: c.1423A>C, p.Thr475Pro (NM_001281492.2); c.907A>C, p.Thr303Pro (NM_001281493.2, NM_001281494.2); short protein forms T303P, T605P, T475P.
Identifiers: ClinVar variation 1421426 (VCV001421426.6), dbSNP rs780167298, ClinGen allele CA346749403.